The following is an entry in ClinVar:

NM_213655.5(WNK1):c.3553T>C (p.Phe1185Leu)

Gene: WNK1 (WNK lysine deficient protein kinase 1; plus strand). Cytogenetic location: 12p13.33.
Variant type: single nucleotide variant.
Coding change: c.3553T>C on transcript NM_213655.5 (MANE Plus Clinical); coding-DNA position 3553, T replaced by C.
Protein change: p.Phe1185Leu; replaces phenylalanine 1185 with leucine.
Molecular consequence: missense variant. On other transcripts: intron variant (2).
Genome position (GRCh38, 1-based): chr12:869,024, T>C. VCF-style: chr12-869024-T-C. GRCh37 (hg19) VCF-style: chr12-978190-T-C.
Other names: c.3298T>C, p.Phe1100Leu (NM_001184985.2); c.2140-2241T>C (NM_018979.4, NM_014823.3); short protein forms F1185L, F1100L.
Identifiers: ClinVar variation 836597 (VCV000836597.9), dbSNP rs1338961028, ClinGen allele CA383342346.

ClinVar aggregate classification (germline): Uncertain significance (1 of 4 stars; one submission).

Conditions:
Pseudohypoaldosteronism type 2C (PHA2C). Also called: Pseudohypoaldosteronism Type IIC. Identifiers: Orphanet 757, Orphanet 88940, MedGen C1840391, MONDO:0013778, OMIM 614492.
Neuropathy, hereditary sensory and autonomic, type 2A (HSAN2A). Also called: MORVAN DISEASE; NEUROPATHY, CONGENITAL SENSORY; NEUROPATHY, HEREDITARY SENSORY RADICULAR, AUTOSOMAL RECESSIVE; NEUROPATHY, HEREDITARY SENSORY, TYPE IIA; NEUROPATHY, PROGRESSIVE SENSORY, OF CHILDREN; WNK1-Related HSAN2 (HSAN2A). Identifiers: Orphanet 970, MedGen C2752089, MONDO:0024309, OMIM 201300.

Allele frequency attached by ClinVar (database versions not stated): gnomAD exomes below 0.00001.
gnomAD v4.1: 4 of 1,611,870 alleles (0.00025%); highest among the groups gnomAD compares: Non-Finnish European, 0.00034%; no homozygotes.

Submission:

Labcorp Genetics (formerly Invitae), Labcorp
Classification: Uncertain significance for Neuropathy, hereditary sensory and autonomic, type 2A; Pseudohypoaldosteronism type 2C. Last evaluated: 2025-12-03. Review status: criteria provided, single submitter. Criteria: Invitae Variant Classification Sherloc (09022015). Collection method: clinical testing. Allele origin: germline.
Comment: This sequence change replaces phenylalanine, which is neutral and non-polar, with leucine, which is neutral and non-polar, at codon 1185 of the WNK1 protein (p.Phe1185Leu). This variant is not present in population databases (gnomAD no frequency). This variant has not been reported in the literature in individuals affected with WNK1-related conditions. ClinVar contains an entry for this variant (Variation ID: 836597). Invitae Evidence Modeling of protein sequence and biophysical properties (such as structural, functional, and spatial information, amino acid conservation, physicochemical variation, residue mobility, and thermodynamic stability) indicates that this missense variant is not expected to disrupt WNK1 protein function with a negative predictive value of 95%. In summary, the available evidence is currently insufficient to determine the role of this variant in disease. Therefore, it has been classified as a Variant of Uncertain Significance.